The following is an entry in ClinVar:

NM_000136.3(FANCC):c.1633A>C (p.Lys545Gln)

Genes: FANCC (FA complementation group C; minus strand), AOPEP (aminopeptidase O (putative); plus strand). Cytogenetic location: 9q22.32.
Variant type: single nucleotide variant.
Coding change: c.1633A>C on transcript NM_000136.3 (MANE Select); coding-DNA position 1633, A replaced by C.
Protein change: p.Lys545Gln; replaces lysine 545 with glutamine.
Molecular consequence: missense variant.
Genome position (GRCh38, 1-based): chr9:95,101,751, T>G on the plus strand (A>C on the coding strand, the complement: FANCC is on the minus strand). VCF-style: chr9-95101751-T-G. GRCh37 (hg19) VCF-style: chr9-97864033-T-G.
Other names: c.1633A>C, p.Lys545Gln (NM_001243743.2); short protein forms K545Q.
Identifiers: ClinVar variation 419421 (VCV000419421.3), dbSNP rs1064793496, ClinGen allele CA16618873.
Genomic context (GRCh38, chr9:95,101,751, plus strand): 5'-ACGGCCTGCGTGCCTTCTAGACTTGAGTTCGCAGCTCTTTAAGGAGCTCTCGGGCCAGTT[T>G]TTCTGATCTAGGGCTTTCAATGCCAAGACGATTCCATCTGTACAAGGTCTGGTCAAGAAA-3'
Protein context (NP_000127.2, residues 535-555): RLGIESPRSE[Lys545Gln]LARELLKELR

ClinVar aggregate classification (germline): Uncertain significance. Review status: criteria provided, multiple submitters, no conflicts (2 of 4 stars). 2 submissions from 2 submitters: Uncertain significance (2). Last evaluated 2025-03-08.

Conditions:
Hereditary cancer-predisposing syndrome. Also called: Hereditary neoplastic syndrome; Tumor predisposition; Neoplastic Syndromes, Hereditary; Hereditary Cancer Syndrome. Identifiers: Orphanet 140162, MedGen C0027672, MeSH D009386, MONDO:0015356.

Submissions (2):

Ambry Genetics
Classification: Uncertain significance for Hereditary cancer-predisposing syndrome. Last evaluated: 2025-03-08. Review status: criteria provided, single submitter. Criteria: Ambry Variant Classification Scheme 2023. Collection method: clinical testing. Allele origin: germline.
Comment: The p.K545Q variant (also known as c.1633A>C), located in coding exon 14 of the FANCC gene, results from an A to C substitution at nucleotide position 1633. The lysine at codon 545 is replaced by glutamine, an amino acid with similar properties. This amino acid position is conserved. In addition, this alteration is predicted to be tolerated by in silico analysis. Based on the available evidence, the clinical significance of this variant remains unclear.

GeneDx
Classification: Uncertain significance. Last evaluated: 2015-07-15. Review status: criteria provided, single submitter. Criteria: GeneDx Variant Classification (06012015). Collection method: clinical testing. Allele origin: germline. Affected: yes.
Comment: This variant is denoted FANCC c.1633A>C at the cDNA level, p.Lys545Gln (K545Q) at the protein level, and results in the change of a Lysine to a Glutamine (AAA>CAA). This variant has not, to our knowledge, been published in the literature as pathogenic or benign. FANCC Lys545Gln was not observed in approximately 6,500 individuals of European and African American ancestry in the NHLBI Exome Sequencing Project, indicating it is not a common benign variant in these populations. Since Lysine and Glutamine differ in some properties, this is considered a semi-conservative amino acid substitution. FANCC Lys545Gln occurs at a position that is not conserved, with Glutamine being the naturally occurring amino acid at this position in one vertebrate, and is not located in a known functional domain (UniProt). In silico analyses are inconsistent regarding the effect this variant may have on protein structure and function. Based on currently available information, it is unclear whether FANCC Lys545Gln is pathogenic or benign. We consider it to be a variant of uncertain significance.